The following is an entry in ClinVar:

NM_006208.3(ENPP1):c.120C>T (p.Pro40=)

Gene: ENPP1 (ectonucleotide pyrophosphatase/phosphodiesterase 1; plus strand). Cytogenetic location: 6q23.2.
Variant type: single nucleotide variant.
Coding change: c.120C>T on transcript NM_006208.3 (MANE Select); coding-DNA position 120, C replaced by T.
Protein change: p.Pro40=; no amino-acid change (proline 40 retained).
Molecular consequence: synonymous variant.
Genome position (GRCh38, 1-based): chr6:131,808,155, C>T. VCF-style: chr6-131808155-C-T. GRCh37 (hg19) VCF-style: chr6-132129295-C-T.
Identifiers: ClinVar variation 744088 (VCV000744088.9), dbSNP rs553929139, ClinGen allele CA4001799.

ClinVar aggregate classification (germline): Likely benign. Review status: criteria provided, multiple submitters, no conflicts (2 of 4 stars). 2 submissions from 2 submitters: Likely benign (2). Last evaluated 2026-02-16.

Conditions:
ENPP1-related disorder. Also called: ENPP1-related disorders; ENPP1-related condition.

Allele frequency attached by ClinVar (database versions not stated): ExAC below 0.00001; gnomAD exomes 0.00001; 1000 Genomes Project 0.00020; gnomAD 0.00020; TOPMed 0.00025; 1000 Genomes Project 30x 0.00047.
gnomAD v4.1: 59 of 1,448,786 alleles (0.0041%); highest among the groups gnomAD compares: African/African-American, 0.069%; no homozygotes.

Submissions (2):

PreventionGenetics, part of Exact Sciences
Classification: Likely benign for ENPP1-related condition. Last evaluated: 2026-02-16. Review status: criteria provided, single submitter. Criteria: ACMG Guidelines, 2015. Collection method: clinical testing. Allele origin: germline.
Comment: This variant is classified as likely benign based on ACMG/AMP sequence variant interpretation guidelines (Richards et al. 2015 PMID: 25741868, with internal and published modifications).

Labcorp Genetics (formerly Invitae), Labcorp
Classification: Likely benign. Last evaluated: 2025-10-27. Review status: criteria provided, single submitter. Criteria: Invitae Variant Classification Sherloc (09022015). Collection method: clinical testing. Allele origin: germline.